The following is an entry in ClinVar:

NM_000030.3(AGXT):c.614C>T (p.Ser205Leu)

Gene: AGXT (alanine--glyoxylate aminotransferase; plus strand). Cytogenetic location: 2q37.3.
Variant type: single nucleotide variant.
Coding change: c.614C>T on transcript NM_000030.3 (MANE Select); coding-DNA position 614, C replaced by T.
Protein change: p.Ser205Leu; replaces serine 205 with leucine.
Molecular consequence: missense variant.
Genome position (GRCh38, 1-based): chr2:240,873,996, C>T. VCF-style: chr2-240873996-C-T. GRCh37 (hg19) VCF-style: chr2-241813413-C-T.
Other names: short protein forms S205L.
Identifiers: ClinVar variation 204118 (VCV000204118.16), dbSNP rs180177248, ClinGen allele CA275721.

ClinVar aggregate classification (germline): Pathogenic. Review status: criteria provided, multiple submitters, no conflicts (2 of 4 stars). 5 submissions from 5 submitters: Pathogenic (3). 2 of the submissions do not count toward it. Last evaluated 2024-03-08.

Conditions:
Primary hyperoxaluria. Identifiers: Orphanet 416, MedGen C0020501, MONDO:0002474.
Primary hyperoxaluria, type I (HP1). Also called: GLYCOLIC ACIDURIA; HEPATIC AGT DEFICIENCY; OXALOSIS I; Primary hyperoxaluria type 1. Identifiers: Orphanet 416, Orphanet 93598, MedGen C0268164, MONDO:0009823, OMIM 259900. Disease mechanism: loss of function.

Allele frequency attached by ClinVar (database versions not stated): gnomAD exomes below 0.00001; ExAC 0.00001; TOPMed 0.00002.

Submissions (5):

Fulgent Genetics
Classification: Pathogenic for Primary hyperoxaluria, type I. Last evaluated: 2024-03-08. Review status: criteria provided, single submitter. Criteria: ACMG Guidelines, 2015. Collection method: clinical testing. Allele origin: germline.

Labcorp Genetics (formerly Invitae), Labcorp
Classification: Pathogenic. Last evaluated: 2023-04-30. Review status: criteria provided, single submitter. Criteria: Invitae Variant Classification Sherloc (09022015). Collection method: clinical testing. Allele origin: germline.
Comment: Experimental studies have shown that this missense change affects AGXT function (PMID: 19479957). For these reasons, this variant has been classified as Pathogenic. This variant disrupts the p.Ser205 amino acid residue in AGXT. Other variant(s) that disrupt this residue have been determined to be pathogenic (PMID: 2039493; Invitae). This suggests that this residue is clinically significant, and that variants that disrupt this residue are likely to be disease-causing. Advanced modeling of protein sequence and biophysical properties (such as structural, functional, and spatial information, amino acid conservation, physicochemical variation, residue mobility, and thermodynamic stability) performed at Invitae indicates that this missense variant is expected to disrupt AGXT protein function. ClinVar contains an entry for this variant (Variation ID: 204118). This missense change has been observed in individuals with primary hyperoxaluria type 1 (PMID: 27935012, 30541997, 32556641). This variant is present in population databases (rs180177248, gnomAD 0.0009%). This sequence change replaces serine, which is neutral and polar, with leucine, which is neutral and non-polar, at codon 205 of the AGXT protein (p.Ser205Leu).

Women's Health and Genetics/Laboratory Corporation of America, LabCorp
Classification: Pathogenic for Primary hyperoxaluria. Last evaluated: 2022-10-11. Review status: criteria provided, single submitter. Criteria: LabCorp Variant Classification Summary - May 2015. Collection method: clinical testing. Allele origin: germline.
Comment: Variant summary: AGXT c.614C>T (p.Ser205Leu) results in a non-conservative amino acid change located in the Aminotransferase class V domain (IPR000192) of the encoded protein sequence. Five of five in-silico tools predict a damaging effect of the variant on protein function. The variant allele was found at a frequency of 4e-06 in 251126 control chromosomes. c.614C>T has been reported in the literature as homozygous and compound heterozygous genotypes in individuals affected with Primary Hyperoxaluria Type 1 (example, Li_2018, Birtel_2019, Chen_2021, Zhao_2020). These data indicate that the variant is likely to be associated with disease. At least one publication reports experimental evidence evaluating an impact on protein function (Williams_2009). The most pronounced variant effect results in <3% of normal alanine:glyoxylate aminotransferase (AGT) activity in vitro. One clinical diagnostic laboratory has submitted clinical-significance assessments for this variant to ClinVar after 2014 without evidence for independent evaluation and classified the variant as pathogenic. Based on the evidence outlined above, the variant was classified as pathogenic.

Chinese Inherited Urolithiasis Consortium, The Affiliated Yantai Yuhuangding Hospital of Qingdao University
Classification: Pathogenic for Primary hyperoxaluria, type I. Last evaluated: 2024-08-26. Review status: no assertion criteria provided. Collection method: clinical testing. Allele origin: biparental. Affected: yes. Observed: 1 variant allele. Not counted in ClinVar's aggregate classification.

Clinical Biochemistry Laboratory, Health Services Laboratory
Classification: Pathogenic for Primary hyperoxaluria, type I. Last evaluated: 2014-11-27. Review status: no assertion criteria provided. Collection method: in vitro. Allele origin: germline. Affected: yes. Not counted in ClinVar's aggregate classification.

Literature cited by the submitters: PubMed 19479957 (cited by 3 submitters); PubMed 2039493 (cited by Labcorp Genetics (formerly Invitae), Labcorp); PubMed 27935012 (cited by Labcorp Genetics (formerly Invitae), Labcorp); PubMed 30541997 (cited by Labcorp Genetics (formerly Invitae), Labcorp and Women's Health and Genetics/Laboratory Corporation of America, LabCorp); PubMed 32556641 (cited by Labcorp Genetics (formerly Invitae), Labcorp and Women's Health and Genetics/Laboratory Corporation of America, LabCorp); PubMed 34031707 (cited by Women's Health and Genetics/Laboratory Corporation of America, LabCorp); PubMed 31078535 (cited by Women's Health and Genetics/Laboratory Corporation of America, LabCorp).